The following is an entry in ClinVar:

NM_022828.5(YTHDC2):c.3522G>C (p.Gly1174=)

Gene: YTHDC2 (YTH N6-methyladenosine RNA binding protein C2; plus strand). Cytogenetic location: 5q22.2.
Variant type: single nucleotide variant.
Coding change: c.3522G>C on transcript NM_022828.5 (MANE Select); coding-DNA position 3522, G replaced by C.
Protein change: p.Gly1174=; no amino-acid change (glycine 1174 retained).
Molecular consequence: synonymous variant.
Genome position (GRCh38, 1-based): chr5:113,581,584, G>C. VCF-style: chr5-113581584-G-C. GRCh37 (hg19) VCF-style: chr5-112917281-G-C.
Other names: c.3036G>C, p.Gly1012= (NM_001345975.2); c.2622G>C, p.Gly874= (NM_001345976.2).
Identifiers: ClinVar variation 3045008 (VCV003045008.2), dbSNP rs141634861, ClinGen allele CA3372484.

ClinVar aggregate classification (germline): Likely benign (0 of 4 stars; one submission).

Conditions:
YTHDC2-related disorder. Also called: YTHDC2-related condition.

Allele frequency attached by ClinVar (database versions not stated): gnomAD exomes 0.00010; 1000 Genomes Project 30x 0.00031; ExAC 0.00031; 1000 Genomes Project 0.00040; ESP Exome Variant Server 0.00092; gnomAD 0.00104; TOPMed 0.00139.
gnomAD v4.1: 309 of 1,614,066 alleles (0.019%); highest among the groups gnomAD compares: African/African-American, 0.36%; no homozygotes.

Submission:

PreventionGenetics, part of Exact Sciences
Classification: Likely benign for YTHDC2-related condition. Last evaluated: 2020-02-14. Review status: no assertion criteria provided. Collection method: clinical testing. Allele origin: germline.
Comment: This variant is classified as likely benign based on ACMG/AMP sequence variant interpretation guidelines (Richards et al. 2015 PMID: 25741868, with internal and published modifications).